The following is an entry in ClinVar:

NM_152393.4(KLHL40):c.664G>T (p.Glu222Ter)

Gene: KLHL40 (kelch like family member 40; plus strand). Cytogenetic location: 3p22.1.
Variant type: single nucleotide variant.
Coding change: c.664G>T on transcript NM_152393.4 (MANE Select); coding-DNA position 664, G replaced by T.
Protein change: p.Glu222Ter; replaces glutamic acid 222 with a stop codon.
Molecular consequence: nonsense.
Genome position (GRCh38, 1-based): chr3:42,686,282, G>T. VCF-style: chr3-42686282-G-T. GRCh37 (hg19) VCF-style: chr3-42727774-G-T.
Other names: short protein forms E222*.
Identifiers: ClinVar variation 4856379 (VCV004856379.1).

ClinVar aggregate classification (germline): Likely pathogenic (1 of 4 stars; one submission).

Conditions:
Nemaline myopathy 8 (NEM8). Also called: Nemaline myopathy 8, autosomal recessive. Identifiers: Orphanet 171430, MedGen C3809209, MONDO:0014138, OMIM 615348.

Submission:

3billion
Classification: Likely pathogenic for Nemaline myopathy 8. Last evaluated: 2025-11-05. Review status: criteria provided, single submitter. Criteria: ACMG Guidelines, 2015. Collection method: clinical testing. Allele origin: germline. Affected: yes.
Comment: The variant is observed at an extremely low frequency in the gnomAD v4.1.0 dataset (total allele frequency: <0.001%). Predicted Consequence/Location: Stop-gained (nonsense): predicted to result in a loss or disruption of normal protein function through nonsense-mediated decay (NMD) or protein truncation. Multiple pathogenic variants are reported downstream of the variant. Therefore, this variant is classified as Likely pathogenic according to the recommendation of ACMG/AMP guideline.